The following is an entry in ClinVar:

NM_016333.4(SRRM2):c.7494C>T (p.Ala2498=)

Gene: SRRM2 (serine/arginine repetitive matrix 2; plus strand). Cytogenetic location: 16p13.3.
Variant type: single nucleotide variant.
Coding change: c.7494C>T on transcript NM_016333.4 (MANE Select); coding-DNA position 7494, C replaced by T.
Protein change: p.Ala2498=; no amino-acid change (alanine 2498 retained).
Molecular consequence: synonymous variant.
Genome position (GRCh38, 1-based): chr16:2,768,022, C>T. VCF-style: chr16-2768022-C-T. GRCh37 (hg19) VCF-style: chr16-2818023-C-T.
Identifiers: ClinVar variation 4822398 (VCV004822398.4).

ClinVar aggregate classification (germline): Likely benign (1 of 4 stars; one submission).

gnomAD v4.1: 27 of 1,614,078 alleles (0.0017%); highest among the groups gnomAD compares: Admixed American, 0.018%; no homozygotes.

Submission:

CeGaT Center for Human Genetics Tuebingen
Classification: Likely benign. Last evaluated: 2026-02-01. Review status: criteria provided, single submitter. Criteria: CeGaT Center For Human Genetics Tuebingen Variant Classification Criteria Version 2. Collection method: clinical testing. Allele origin: germline. Affected: yes. Observed: 1 variant allele.
Comment: SRRM2: BP4, BP7